The following is an entry in ClinVar:

NC_000013.11:g.32339208delinsGCTCT

Gene: BRCA2 (BRCA2 DNA repair associated; plus strand). Cytogenetic location: 13q13.1.
Variant type: Indel.
Genome position: GRCh38 VCF-style: chr13-32339208-A-GCTCT. GRCh37 (hg19) VCF-style: chr13-32913345-A-GCTCT.
Other names: 5081delAinsGCTCT; c.4853delinsGCTCT, p.Asp1618fs (LRG_293t1).
Identifiers: ClinVar variation 266835 (VCV000266835.5), dbSNP rs886040551, ClinGen allele CA10589275.

ClinVar aggregate classification (germline): Pathogenic. Review status: reviewed by expert panel (3 of 4 stars). 2 submissions from 2 submitters: Pathogenic (1). 1 of the submissions does not count toward it. Last evaluated 2016-10-18.

Conditions:
Breast-ovarian cancer, familial, susceptibility to, 2 (BROVCA2). Also called: BRCA2 Hereditary Breast and Ovarian Cancer. Identifiers: Orphanet 145, MedGen C2675520, MONDO:0012933, OMIM 612555. Disease mechanism: loss of function.

Submissions (2):

Evidence-based Network for the Interpretation of Germline Mutant Alleles (ENIGMA)
Classification: Pathogenic for Breast-ovarian cancer, familial, susceptibility to, 2. Last evaluated: 2016-10-18. Review status: reviewed by expert panel. Criteria: ENIGMA BRCA1/2 Classification Criteria (2015). Collection method: curation. Allele origin: germline.
Comment: Variant allele predicted to encode a truncated non-functional protein.

Consortium of Investigators of Modifiers of BRCA1/2 (CIMBA), c/o University of Cambridge
Classification: Pathogenic for Breast-ovarian cancer, familial, susceptibility to, 2. Last evaluated: 2015-10-02. Review status: criteria provided, single submitter. Criteria: CIMBA Mutation Classification guidelines May 2016. Collection method: clinical testing. Allele origin: germline. Not counted in ClinVar's aggregate classification.